The following is an entry in ClinVar:

ClinVar aggregate classification (germline): Uncertain significance. Review status: criteria provided, multiple submitters, no conflicts (2 of 4 stars). 2 submissions from 2 submitters: Uncertain significance (2). Last evaluated 2025-08-11.

gnomAD v4.1: 1 of 1,004,394 alleles (0.0001%); no homozygotes.

Submissions (2):

Labcorp Genetics (formerly Invitae), Labcorp
Classification: Uncertain significance. Last evaluated: 2025-08-11. Review status: criteria provided, single submitter. Criteria: Invitae Variant Classification Sherloc (09022015). Collection method: clinical testing. Allele origin: germline.
Comment: This sequence change replaces glycine, which is neutral and non-polar, with serine, which is neutral and polar, at codon 34 of the KMT2B protein (p.Gly34Ser). The frequency data for this variant in the population databases is considered unreliable, as metrics indicate insufficient coverage at this position in the gnomAD database. This variant has not been reported in the literature in individuals affected with KMT2B-related conditions. ClinVar contains an entry for this variant (Variation ID: 1896279). Invitae Evidence Modeling of protein sequence and biophysical properties (such as structural, functional, and spatial information, amino acid conservation, physicochemical variation, residue mobility, and thermodynamic stability) indicates that this missense variant is expected to disrupt KMT2B protein function with a positive predictive value of 80%. In summary, the available evidence is currently insufficient to determine the role of this variant in disease. Therefore, it has been classified as a Variant of Uncertain Significance.

Blueprint Genetics
Classification: Uncertain significance. Last evaluated: 2022-08-25. Review status: criteria provided, single submitter. Criteria: ACMG Guidelines, 2015. Collection method: clinical testing. Allele origin: germline.

NM_014727.3(KMT2B):c.100G>A (p.Gly34Ser)

Genes: KMT2B (lysine methyltransferase 2B; plus strand), LOC130064257 (ATAC-STARR-seq lymphoblastoid silent region 10534; plus strand). Cytogenetic location: 19q13.12.
Variant type: single nucleotide variant.
Coding change: c.100G>A on transcript NM_014727.3 (MANE Select); coding-DNA position 100, G replaced by A.
Protein change: p.Gly34Ser; replaces glycine 34 with serine.
Molecular consequence: missense variant.
Genome position (GRCh38, 1-based): chr19:35,718,118, G>A. VCF-style: chr19-35718118-G-A. GRCh37 (hg19) VCF-style: chr19-36209020-G-A.
Other names: short protein forms G34S.
Identifiers: ClinVar variation 1896279 (VCV001896279.6), dbSNP rs2513306273, ClinGen allele CA405374494.